The following is an entry in ClinVar:

NM_001458.5(FLNC):c.1693G>T (p.Val565Leu)

Gene: FLNC (filamin C; plus strand). Cytogenetic location: 7q32.1.
Variant type: single nucleotide variant.
Coding change: c.1693G>T on transcript NM_001458.5 (MANE Select); coding-DNA position 1693, G replaced by T.
Protein change: p.Val565Leu; replaces valine 565 with leucine.
Molecular consequence: missense variant.
Genome position (GRCh38, 1-based): chr7:128,840,850, G>T. VCF-style: chr7-128840850-G-T. GRCh37 (hg19) VCF-style: chr7-128480904-G-T.
Other names: c.1693G>T, p.Val565Leu (NM_001127487.2); short protein forms V565L.
Identifiers: ClinVar variation 2940841 (VCV002940841.3), dbSNP rs1276774889, ClinGen allele CA369226874.
Genomic context (GRCh38, chr7:128,840,850, plus strand): 5'-GGGGGGCACTTCCTGGCATGGACACCAGCTCCCTCTCTGCCCAGCCCCTTTGAGGTACAG[G>T]TGAGCCCAGAGGCAGGAGTGCAAAAGGTCCGGGCCTGGGGTCCTGGTTTGGAGACTGGCC-3'
Protein context (NP_001449.3, residues 555-575): AIPRSPFEVQ[Val565Leu]SPEAGVQKVR

ClinVar aggregate classification (germline): Uncertain significance (1 of 4 stars; one submission).

Conditions:
Hypertrophic cardiomyopathy 26. Also called: Cardiomyopathy, familial hypertrophic, 26. Identifiers: Orphanet 75249, MedGen C4310749, MONDO:0014883, OMIM 617047.
Myofibrillar myopathy 5. Also called: Filaminopathy (type); FILAMINOPATHY, AUTOSOMAL DOMINANT. Identifiers: Orphanet 171445, MedGen C1836050, MONDO:0012289, OMIM 609524.
Distal myopathy with posterior leg and anterior hand involvement. Also called: WILLIAMS DISTAL MYOPATHY. Identifiers: Orphanet 63273, MedGen C3279722, MONDO:0013550, OMIM 614065.

Submission:

Labcorp Genetics (formerly Invitae), Labcorp
Classification: Uncertain significance for Distal myopathy with posterior leg and anterior hand involvement; Myofibrillar myopathy 5; Hypertrophic cardiomyopathy 26. Last evaluated: 2023-02-08. Review status: criteria provided, single submitter. Criteria: Invitae Variant Classification Sherloc (09022015). Collection method: clinical testing. Allele origin: germline.
Comment: Advanced modeling of protein sequence and biophysical properties (such as structural, functional, and spatial information, amino acid conservation, physicochemical variation, residue mobility, and thermodynamic stability) has been performed at Invitae for this missense variant, however the output from this modeling did not meet the statistical confidence thresholds required to predict the impact of this variant on FLNC protein function. This variant has not been reported in the literature in individuals affected with FLNC-related conditions. This variant is not present in population databases (gnomAD no frequency). This sequence change replaces valine, which is neutral and non-polar, with leucine, which is neutral and non-polar, at codon 565 of the FLNC protein (p.Val565Leu). In summary, the available evidence is currently insufficient to determine the role of this variant in disease. Therefore, it has been classified as a Variant of Uncertain Significance.